The following is an entry in ClinVar:

ClinVar aggregate classification (germline): Uncertain significance (1 of 4 stars; one submission).

Conditions:
Nephronophthisis. Also called: Juvenile Nephronophthisis. Identifiers: Orphanet 655, MedGen C0687120, MONDO:0019005, HP:0000090.

Submission:

Labcorp Genetics (formerly Invitae), Labcorp
Classification: Uncertain significance for Nephronophthisis. Last evaluated: 2025-11-09. Review status: criteria provided, single submitter. Criteria: Invitae Variant Classification Sherloc (09022015). Collection method: clinical testing. Allele origin: germline.
Comment: This sequence change replaces leucine, which is neutral and non-polar, with phenylalanine, which is neutral and non-polar, at codon 949 of the NPHP3 protein (p.Leu949Phe). This variant is not present in population databases (gnomAD no frequency). This variant has not been reported in the literature in individuals affected with NPHP3-related conditions. Invitae Evidence Modeling of protein sequence and biophysical properties (such as structural, functional, and spatial information, amino acid conservation, physicochemical variation, residue mobility, and thermodynamic stability) has been performed for this missense variant. However, the output from this modeling did not meet the statistical confidence thresholds required to predict the impact of this variant on NPHP3 protein function. In summary, the available evidence is currently insufficient to determine the role of this variant in disease. Therefore, it has been classified as a Variant of Uncertain Significance.

NM_153240.5(NPHP3):c.2847G>T (p.Leu949Phe)

Genes: NPHP3 (nephrocystin 3; minus strand), NPHP3-ACAD11 (NPHP3-ACAD11 readthrough (NMD candidate); minus strand). Cytogenetic location: 3q22.1.
Variant type: single nucleotide variant.
Coding change: c.2847G>T on transcript NM_153240.5 (MANE Select); coding-DNA position 2847, G replaced by T.
Protein change: p.Leu949Phe; replaces leucine 949 with phenylalanine.
Molecular consequence: missense variant. On other transcripts: non-coding transcript variant (1).
Genome position (GRCh38, 1-based): chr3:132,689,110, C>A on the plus strand (G>T on the coding strand, the complement: NPHP3 is on the minus strand). VCF-style: chr3-132689110-C-A. GRCh37 (hg19) VCF-style: chr3-132407954-C-A.
Other names: short protein forms L949F.
Identifiers: ClinVar variation 4713715 (VCV004713715.1).